The following is an entry in ClinVar:

ClinVar aggregate classification (germline): Uncertain significance (1 of 4 stars; one submission).

Conditions:
Hereditary spastic paraplegia 30. Identifiers: Orphanet 101010, MedGen C5235139, MONDO:0012476.
Neuropathy, hereditary sensory, type 2C. Also called: KIF1A-Related HSAN2 (HSAN2C); Hereditary sensory and autonomic neuropathy type IIC. Identifiers: Orphanet 970, MedGen C3280168, MONDO:0013634, OMIM 614213.
Intellectual disability, autosomal dominant 9 (NESCAVS). Also called: KIF1A-Related Neurodevelopmental Disorder; NESCAV SYNDROME. Identifiers: Orphanet 662367, MedGen C5393830, MONDO:0013656, OMIM 614255.

Submission:

Labcorp Genetics (formerly Invitae), Labcorp
Classification: Uncertain significance for Hereditary spastic paraplegia 30; Neuropathy, hereditary sensory, type 2C; Intellectual disability, autosomal dominant 9. Last evaluated: 2021-07-25. Review status: criteria provided, single submitter. Criteria: Invitae Variant Classification Sherloc (09022015). Collection method: clinical testing. Allele origin: germline.
Comment: In summary, the available evidence is currently insufficient to determine the role of this variant in disease. Therefore, it has been classified as a Variant of Uncertain Significance. Advanced modeling of protein sequence and biophysical properties (such as structural, functional, and spatial information, amino acid conservation, physicochemical variation, residue mobility, and thermodynamic stability) performed at Invitae indicates that this missense variant is not expected to disrupt KIF1A protein function. This variant has not been reported in the literature in individuals affected with KIF1A-related conditions. This variant is not present in population databases (ExAC no frequency). This sequence change replaces alanine with serine at codon 397 of the KIF1A protein (p.Ala397Ser). The alanine residue is highly conserved and there is a moderate physicochemical difference between alanine and serine.

NM_001244008.2(KIF1A):c.1216G>T (p.Ala406Ser)

Gene: KIF1A (kinesin family member 1A; minus strand). Cytogenetic location: 2q37.3.
Variant type: single nucleotide variant.
Coding change: c.1216G>T on transcript NM_001244008.2 (MANE Select); coding-DNA position 1216, G replaced by T.
Protein change: p.Ala406Ser; replaces alanine 406 with serine.
Molecular consequence: missense variant.
Genome position (GRCh38, 1-based): chr2:240,771,096, C>A on the plus strand (G>T on the coding strand, the complement: KIF1A is on the minus strand). VCF-style: chr2-240771096-C-A. GRCh37 (hg19) VCF-style: chr2-241710513-C-A.
Other names: c.1216G>T, p.Ala406Ser (NM_001320705.2, NM_001330289.2, NM_001379638.1); c.1291G>T, p.Ala431Ser (NM_001330290.2, NM_001379631.1, NM_001379634.1 and 2 more transcripts); c.1189G>T, p.Ala397Ser (NM_001379632.1, NM_001379633.1, NM_001379636.1 and 10 more transcripts); c.1264G>T, p.Ala422Ser (NM_001379637.1, NM_001379648.1); short protein forms A397S, A406S, A422S, A431S.
Identifiers: ClinVar variation 1471923 (VCV001471923.8), dbSNP rs2125951422, ClinGen allele CA351330653.